The following is an entry in ClinVar:

NM_000548.5(TSC2):c.1444-7T>C

Gene: TSC2 (TSC complex subunit 2; plus strand). Cytogenetic location: 16p13.3.
Variant type: single nucleotide variant.
Coding change: c.1444-7T>C on transcript NM_000548.5 (MANE Select); 7 bases into the intron before coding-DNA position 1444, T replaced by C.
Molecular consequence: intron variant.
Genome position (GRCh38, 1-based): chr16:2,064,265, T>C. VCF-style: chr16-2064265-T-C. GRCh37 (hg19) VCF-style: chr16-2114266-T-C.
Other names: c.1444-7T>C (NM_001114382.3, NM_021055.3, NM_001370405.1 and 3 more transcripts); c.1333-7T>C (NM_001318827.2); c.844-7T>C (NM_001318831.2); c.1297-7T>C (NM_001318829.2); c.1477-7T>C (NM_001318832.2).
Identifiers: ClinVar variation 1150482 (VCV001150482.10), dbSNP rs2151188110, ClinGen allele CA2499223285.

ClinVar aggregate classification (germline): Likely benign. Review status: criteria provided, multiple submitters, no conflicts (2 of 4 stars). 2 submissions from 2 submitters: Likely benign (2). Last evaluated 2025-09-15.

Conditions:
Tuberous sclerosis 2 (TSC2). Identifiers: Orphanet 805, MedGen C1860707, MONDO:0013199, OMIM 613254.

Submissions (2):

Labcorp Genetics (formerly Invitae), Labcorp
Classification: Likely benign for Tuberous sclerosis 2. Last evaluated: 2025-09-15. Review status: criteria provided, single submitter. Criteria: Invitae Variant Classification Sherloc (09022015). Collection method: clinical testing. Allele origin: germline.

Myriad Genetics, Inc.
Classification: Likely benign for Tuberous sclerosis 2. Last evaluated: 2025-05-14. Review status: criteria provided, single submitter. Criteria: Myriad Autosomal Dominant, Autosomal Recessive and X-Linked Classification Criteria (2023). Collection method: clinical testing. Allele origin: unknown.
Comment: This variant is considered likely benign. This variant is intronic and is not expected to impact mRNA splicing.